The following is an entry in ClinVar:

NM_000238.4(KCNH2):c.992G>A (p.Ser331Asn)

Gene: KCNH2 (potassium voltage-gated channel subfamily H member 2; minus strand). Cytogenetic location: 7q36.1.
Variant type: single nucleotide variant.
Coding change: c.992G>A on transcript NM_000238.4 (MANE Select); coding-DNA position 992, G replaced by A.
Protein change: p.Ser331Asn; replaces serine 331 with asparagine.
Molecular consequence: missense variant. On other transcripts: non-coding transcript variant (1).
Genome position (GRCh38, 1-based): chr7:150,957,427, C>T on the plus strand (G>A on the coding strand, the complement: KCNH2 is on the minus strand). VCF-style: chr7-150957427-C-T. GRCh37 (hg19) VCF-style: chr7-150654515-C-T.
Other names: c.704G>A, p.Ser235Asn (NM_001406753.1, NM_001406756.1); c.815G>A, p.Ser272Asn (NM_001406755.1); c.692G>A, p.Ser231Asn (NM_001406757.1); c.992G>A, p.Ser331Asn (NM_172056.3); short protein forms S231N, S235N, S272N, S331N.
Identifiers: ClinVar variation 3069818 (VCV003069818.1), dbSNP rs779248403, ClinGen allele CA041437.

ClinVar aggregate classification (germline): Uncertain significance (1 of 4 stars; one submission).

Conditions:
Long QT syndrome (LQTS). Identifiers: MedGen C0023976, MeSH D008133, MONDO:0002442. Disease mechanism: loss of function. Inheritance: Various modes of inheritance.

Allele frequency attached by ClinVar (database versions not stated): ExAC 0.00001.

Submission:

All of Us Research Program, National Institutes of Health
Classification: Uncertain significance for Long QT syndrome. Last evaluated: 2023-03-09. Review status: criteria provided, single submitter. Criteria: ACMG Guidelines, 2015. Collection method: clinical testing. Allele origin: germline. Inheritance: Autosomal dominant inheritance. Observed: 1 variant allele, 1 heterozygote.
Comment: This missense variant replaces serine with asparagine at codon 331 of the KCNH2 protein. Computational prediction suggests that this variant may not impact protein structure and function (internally defined REVEL score threshold <= 0.5, PMID: 27666373). To our knowledge, functional studies have not been reported for this variant. This variant has not been reported in individuals affected with KCNH2-related disorders in the literature. This variant has been identified in 1/250878 chromosomes in the general population by the Genome Aggregation Database (gnomAD). The available evidence is insufficient to determine the role of this variant in disease conclusively. Therefore, this variant is classified as a Variant of Uncertain Significance.

This study involves interpretation of variants in research participants for the purpose of population health screening. Participant phenotype was not available at the time of variant classification. Additional details can be found in publication PMID: 35346344, PMCID: PMC8962531